The following is an entry in ClinVar:

ClinVar aggregate classification (germline): Pathogenic (1 of 4 stars; one submission).

Conditions:
Neurofibromatosis, type 1 (NF1). Also called: Peripheral type neurofibromatosis; NEUROFIBROMATOSIS, TYPE I, SOMATIC; Neurofibromatosis, type I; VON RECKLINGHAUSEN DISEASE. Identifiers: Orphanet 636, MedGen C0027831, MONDO:0018975, OMIM 162200. Disease mechanism: loss of function.

Submission:

Labcorp Genetics (formerly Invitae), Labcorp
Classification: Pathogenic for Neurofibromatosis, type 1. Last evaluated: 2024-07-19. Review status: criteria provided, single submitter. Criteria: Invitae Variant Classification Sherloc (09022015). Collection method: clinical testing. Allele origin: germline.
Comment: This sequence change creates a premature translational stop signal (p.Val1773Serfs*3) in the NF1 gene. It is expected to result in an absent or disrupted protein product. Loss-of-function variants in NF1 are known to be pathogenic (PMID: 10712197, 23913538). This variant is not present in population databases (gnomAD no frequency). This variant has not been reported in the literature in individuals affected with NF1-related conditions. ClinVar contains an entry for this variant (Variation ID: 2131879). For these reasons, this variant has been classified as Pathogenic.

Literature cited by the submitters: PubMed 10712197; PubMed 23913538.

NM_001042492.3(NF1):c.5378dup (p.Val1794fs)

Gene: NF1 (neurofibromin 1; plus strand). Cytogenetic location: 17q11.2.
Variant type: Duplication.
Coding change: c.5378dup on transcript NM_001042492.3 (MANE Select); coding-DNA position 5378, one base duplicated (T; older notation c.5378dupT).
Protein change: p.Val1794fs; shifts the reading frame from valine 1794.
Molecular consequence: frameshift variant.
Genome position (GRCh38, 1-based): chr17:31,327,608, T duplicated. VCF-style (leftmost placement, unchanged base first): chr17-31327607-C-CT. GRCh37 (hg19) VCF-style: chr17-29654625-C-CT.
Other names: c.5315dup, p.Val1773Serfs (NM_000267.4); short protein forms V1773fs, V1794fs.
Identifiers: ClinVar variation 2131879 (VCV002131879.4), dbSNP rs2508706207, ClinGen allele CA2580093277.